The following is an entry in ClinVar:

NM_001195263.2(PDZD7):c.2843_2862del (p.Arg948fs)

Gene: PDZD7 (PDZ domain containing 7; minus strand). Cytogenetic location: 10q24.31.
Variant type: Deletion.
Coding change: c.2843_2862del on transcript NM_001195263.2 (MANE Select); coding-DNA positions 2843 to 2862, 20 bases deleted (GGGTCCCCGGGCCCAGCCCA).
Protein change: p.Arg948fs; shifts the reading frame from arginine 948.
Molecular consequence: frameshift variant.
Genome position (GRCh38, 1-based): chr10:101,008,707-101,008,726, TGGGCTGGGCCCGGGGACCC deleted on the plus strand (GGGTCCCCGGGCCCAGCCCA on the coding strand, the reverse complement: PDZD7 is on the minus strand); deleting any 20 consecutive bases within chr10:101,008,707-101,008,728 gives the same sequence; the c. name uses the placement nearest the transcript's 3' end. VCF-style (leftmost placement, unchanged base first): chr10-101008706-GTGGGCTGGGCCCGGGGACCC-G. GRCh37 (hg19) VCF-style: chr10-102768463-GTGGGCTGGGCCCGGGGACCC-G.
Other names: c.2840_2859del, p.Arg947fs (NM_001437429.1); short protein forms R947fs, R948fs.
Identifiers: ClinVar variation 4079519 (VCV004079519.2).
Genomic context (GRCh38, chr10:101,008,706, plus strand): 5'-GCAAGTGGTCAGCAGGAAGGCCCCCATCAGTAAGGGCTGATGAGTCAGAGGGTGAGGGCC[GTGGGCTGGGCCCGGGGACCC>G]TGACCACAAGCTCCATGGGCTCCCGGGCCTTGTTTCGATAAGCCCGACGGATGGTGTCTA-3'

ClinVar aggregate classification (germline): Uncertain significance. Review status: criteria provided, multiple submitters, no conflicts (2 of 4 stars). 2 submissions from 2 submitters: Uncertain significance (2). Last evaluated 2025-10-05.

Submissions (2):

Labcorp Genetics (formerly Invitae), Labcorp
Classification: Uncertain significance. Last evaluated: 2025-10-05. Review status: criteria provided, single submitter. Criteria: Invitae Variant Classification Sherloc (09022015). Collection method: clinical testing. Allele origin: germline.
Comment: This sequence change creates a premature translational stop signal (p.Arg948Thrfs*6) in the PDZD7 gene. While this is not anticipated to result in nonsense mediated decay, it is expected to disrupt the last 86 amino acid(s) of the PDZD7 protein. This variant is not present in population databases (gnomAD no frequency). This variant has not been reported in the literature in individuals affected with PDZD7-related conditions. ClinVar contains an entry for this variant (Variation ID: 4079519). Experimental studies and prediction algorithms are not available or were not evaluated, and the functional significance of this variant is currently unknown. In summary, the available evidence is currently insufficient to determine the role of this variant in disease. Therefore, it has been classified as a Variant of Uncertain Significance.

Revvity Omics, Revvity
Classification: Uncertain significance. Last evaluated: 2025-02-06. Review status: criteria provided, single submitter. Criteria: ACMG Guidelines, 2015. Collection method: clinical testing. Allele origin: germline.